The following is an entry in ClinVar:

ClinVar aggregate classification (germline): Uncertain significance (1 of 4 stars; one submission).

gnomAD v4.1: 2 of 1,607,296 alleles (0.00012%); highest among the groups gnomAD compares: Non-Finnish European, 0.00017%; no homozygotes.

Submission:

Labcorp Genetics (formerly Invitae), Labcorp
Classification: Uncertain significance. Last evaluated: 2021-02-26. Review status: criteria provided, single submitter. Criteria: Invitae Variant Classification Sherloc (09022015). Collection method: clinical testing. Allele origin: germline.
Comment: This sequence change replaces serine with arginine at codon 1011 of the DSG1 protein (p.Ser1011Arg). The serine residue is weakly conserved and there is a moderate physicochemical difference between serine and arginine. This variant is not present in population databases (ExAC no frequency). This variant has not been reported in the literature in individuals with DSG1-related conditions. Algorithms developed to predict the effect of missense changes on protein structure and function are either unavailable or do not agree on the potential impact of this missense change (SIFT: "Deleterious"; PolyPhen-2: "Benign"; Align-GVGD: "Class C15"). In summary, the available evidence is currently insufficient to determine the role of this variant in disease. Therefore, it has been classified as a Variant of Uncertain Significance.

NM_001942.4(DSG1):c.3033C>A (p.Ser1011Arg)

Genes: DSG1 (desmoglein 1; plus strand), DSG1-AS1 (DSG1 antisense RNA 1; minus strand). Cytogenetic location: 18q12.1.
Variant type: single nucleotide variant.
Coding change: c.3033C>A on transcript NM_001942.4 (MANE Select); coding-DNA position 3033, C replaced by A.
Protein change: p.Ser1011Arg; replaces serine 1011 with arginine.
Molecular consequence: missense variant.
Genome position (GRCh38, 1-based): chr18:31,355,229, C>A. VCF-style: chr18-31355229-C-A. GRCh37 (hg19) VCF-style: chr18-28935192-C-A.
Other names: short protein forms S1011R.
Identifiers: ClinVar variation 1412012 (VCV001412012.8), dbSNP rs2071945342, ClinGen allele CA402125585.